The following is an entry in ClinVar:

NM_001277303.1(POTEB2):c.198T>C (p.Cys66=)

Gene: POTEB2 (POTE ankyrin domain family member B2; minus strand). Cytogenetic location: 15q11.2.
Variant type: single nucleotide variant.
Coding change: c.198T>C on transcript NM_001277303.1 (MANE Select); coding-DNA position 198, T replaced by C.
Protein change: p.Cys66=; no amino-acid change (cysteine 66 retained).
Molecular consequence: synonymous variant. On other transcripts: non-coding transcript variant (1).
Genome position (GRCh38, 1-based): chr15:20,866,084, A>G on the plus strand (T>C on the coding strand, the complement: POTEB2 is on the minus strand). VCF-style: chr15-20866084-A-G. GRCh37 (hg19) VCF-style: chr15-21071413-A-G.
Identifiers: ClinVar variation 3898274 (VCV003898274.7).
Genomic context (GRCh38, chr15:20,866,084, plus strand): 5'-GTAGTCTCCCCAAGTGCCCACGTTGCTCTTGCCGCTCCCCCTGCAGCAGGGGAAGCAGTG[A>G]CAGCACCACTTGCCCATCTTGCTCCTGAGTGTCTTCATAAAGGAGTCGTCATGGTCTCCA-3'
Protein context (NP_001264232.1, residues 56-76): TLRSKMGKWC[Cys66=]HCFPCCRGSG

ClinVar aggregate classification (germline): Likely benign (1 of 4 stars; one submission).

Submission:

CeGaT Center for Human Genetics Tuebingen
Classification: Likely benign. Last evaluated: 2025-04-01. Review status: criteria provided, single submitter. Criteria: CeGaT Center For Human Genetics Tuebingen Variant Classification Criteria Version 2. Collection method: clinical testing. Allele origin: germline. Affected: yes. Observed: 1 variant allele.
Comment: POTEB2: BP4, BP7